The following is an entry in ClinVar:

ClinVar aggregate classification (germline): Uncertain significance. Review status: criteria provided, multiple submitters, no conflicts (2 of 4 stars). 2 submissions from 2 submitters: Uncertain significance (2). Last evaluated 2022-02-03.

Conditions:
Developmental and epileptic encephalopathy, 9 (DEE9). Also called: EPILEPSY, FEMALE-RESTRICTED, WITH MENTAL RETARDATION; Early infantile epileptic encephalopathy 9; PCDH19-Related X-Linked Female-Limited Epilepsy with Mental Retardation; JUBERG-HELLMAN SYNDROME. Identifiers: Orphanet 101039, Orphanet 2076, MedGen C1848137, MONDO:0010246, OMIM 300088. Disease mechanism: loss of function.

Allele frequency attached by ClinVar (database versions not stated): TOPMed below 0.00001; gnomAD exomes 0.00004; gnomAD 0.00001; ExAC 0.00007.
gnomAD v4.1: 15 of 1,209,412 alleles (0.0012%); highest among the groups gnomAD compares: Non-Finnish European, 0.0012%; no homozygotes.

Submissions (2):

Labcorp Genetics (formerly Invitae), Labcorp
Classification: Uncertain significance for Developmental and epileptic encephalopathy, 9. Last evaluated: 2022-02-03. Review status: criteria provided, single submitter. Criteria: Invitae Variant Classification Sherloc (09022015). Collection method: clinical testing. Allele origin: germline.
Comment: This variant is present in population databases (rs201509171, gnomAD 0.008%). This sequence change replaces alanine, which is neutral and non-polar, with threonine, which is neutral and polar, at codon 1027 of the PCDH19 protein (p.Ala1027Thr). In summary, the available evidence is currently insufficient to determine the role of this variant in disease. Therefore, it has been classified as a Variant of Uncertain Significance. Advanced modeling of protein sequence and biophysical properties (such as structural, functional, and spatial information, amino acid conservation, physicochemical variation, residue mobility, and thermodynamic stability) performed at Invitae indicates that this missense variant is not expected to disrupt PCDH19 protein function. ClinVar contains an entry for this variant (Variation ID: 206304). This variant has not been reported in the literature in individuals affected with PCDH19-related conditions.

GeneDx
Classification: Uncertain significance. Last evaluated: 2015-07-09. Review status: criteria provided, single submitter. Criteria: GeneDx Variant Classification (06012015). Collection method: clinical testing. Allele origin: germline. Affected: yes.
Comment: This variant is denoted p.Ala980Thr (GCT>ACT): c.2938 G>A in exon 5 of the PCDH19 gene (NM_001105243.1). The Ala980Thr missense change has not been published as a mutation, nor has it been reported as a benign polymorphism to our knowledge. A different amino acid substitution at the same position (Ala980Cys) has been reported in three unrelated patient in an external gene database and is not known to be pathogenic. The Ala980Thr variant is a non-conservative amino acid substitution of a non-polar Alanine residue with a polar Threonine residue. The variant alters a poorly conserved position in the protein as Threonine is also seen at this position in other species. In silico analysis is inconsistent with regard to the effect this variant may have on the protein structure/function. Therefore, based on the currently available information, it is unclear whether Ala980Thr is a disease-causing mutation or a rare benign variant. The variant is found in INFANT-EPI panel(s).

NM_001184880.2(PCDH19):c.3079G>A (p.Ala1027Thr)

Gene: PCDH19 (protocadherin 19; minus strand). Cytogenetic location: Xq22.1.
Variant type: single nucleotide variant.
Coding change: c.3079G>A on transcript NM_001184880.2 (MANE Select); coding-DNA position 3079, G replaced by A.
Protein change: p.Ala1027Thr; replaces alanine 1027 with threonine.
Molecular consequence: missense variant.
Genome position (GRCh38, 1-based): chrX:100,296,645, C>T on the plus strand (G>A on the coding strand, the complement: PCDH19 is on the minus strand). VCF-style: chrX-100296645-C-T. GRCh37 (hg19) VCF-style: chrX-99551643-C-T.
Other names: p.A980T:GCT>ACT; c.2938G>A, p.Ala980Thr (NM_001105243.2); c.2935G>A, p.Ala979Thr (NM_020766.3); short protein forms A1027T, A980T, A979T.
Identifiers: ClinVar variation 206304 (VCV000206304.13), dbSNP rs201509171, ClinGen allele CA316269.